The following is an entry in ClinVar:

ClinVar aggregate classification (germline): Uncertain significance (1 of 4 stars; one submission).

Conditions:
Hereditary diffuse gastric adenocarcinoma (HDGC). Also called: DIFFUSE GASTRIC AND LOBULAR BREAST CANCER SYNDROME. Identifiers: Orphanet 26106, MedGen C1708349, MONDO:0007648, OMIM 137215.

Submission:

Labcorp Genetics (formerly Invitae), Labcorp
Classification: Uncertain significance for Hereditary diffuse gastric adenocarcinoma. Last evaluated: 2025-04-17. Review status: criteria provided, single submitter. Criteria: Invitae Variant Classification Sherloc (09022015). Collection method: clinical testing. Allele origin: germline.
Comment: This sequence change replaces valine, which is neutral and non-polar, with methionine, which is neutral and non-polar, at codon 588 of the CDH1 protein (p.Val588Met). This variant is not present in population databases (gnomAD no frequency). This variant has not been reported in the literature in individuals affected with CDH1-related conditions. An algorithm developed to predict the effect of missense changes on protein structure and function (PolyPhen-2) suggests that this variant is likely to be disruptive. In summary, the available evidence is currently insufficient to determine the role of this variant in disease. Therefore, it has been classified as a Variant of Uncertain Significance.

NM_004360.5(CDH1):c.1762G>A (p.Val588Met)

Gene: CDH1 (cadherin 1; plus strand). Cytogenetic location: 16q22.1.
Variant type: single nucleotide variant.
Coding change: c.1762G>A on transcript NM_004360.5 (MANE Select); coding-DNA position 1762, G replaced by A.
Protein change: p.Val588Met; replaces valine 588 with methionine.
Molecular consequence: missense variant. On other transcripts: 5 prime UTR variant (1).
Genome position (GRCh38, 1-based): chr16:68,822,051, G>A. VCF-style: chr16-68822051-G-A. GRCh37 (hg19) VCF-style: chr16-68855954-G-A.
Other names: c.1579G>A, p.Val527Met (NM_001317184.2); c.214G>A, p.Val72Met (NM_001317185.2); c.-204G>A (NM_001317186.2); short protein forms V527M, V588M, V72M.
Identifiers: ClinVar variation 4799018 (VCV004799018.1).